The following is an entry in ClinVar:

ClinVar aggregate classification (germline): Uncertain significance (1 of 4 stars; one submission).

Conditions:
Autoimmune interstitial lung disease-arthritis syndrome. Also called: Autoinflammation and autoimmunity, systemic, with immune dysregulation. Identifiers: Orphanet 444092, MedGen C5975714, MONDO:0014629.

gnomAD v4.1: 1 of 1,614,178 alleles (0.000062%); highest among the groups gnomAD compares: Non-Finnish European, 0.000085%; no homozygotes.

Submission:

Labcorp Genetics (formerly Invitae), Labcorp
Classification: Uncertain significance for Autoimmune interstitial lung disease-arthritis syndrome. Last evaluated: 2024-02-03. Review status: criteria provided, single submitter. Criteria: Invitae Variant Classification Sherloc (09022015). Collection method: clinical testing. Allele origin: germline.
Comment: This sequence change replaces leucine, which is neutral and non-polar, with valine, which is neutral and non-polar, at codon 703 of the COPA protein (p.Leu703Val). This variant is not present in population databases (gnomAD no frequency). This variant has not been reported in the literature in individuals affected with COPA-related conditions. Advanced modeling of protein sequence and biophysical properties (such as structural, functional, and spatial information, amino acid conservation, physicochemical variation, residue mobility, and thermodynamic stability) performed at Invitae indicates that this missense variant is expected to disrupt COPA protein function with a positive predictive value of 80%. In summary, the available evidence is currently insufficient to determine the role of this variant in disease. Therefore, it has been classified as a Variant of Uncertain Significance.

NM_004371.4(COPA):c.2107C>G (p.Leu703Val)

Gene: COPA (coat protein complex I subunit alpha; minus strand). Cytogenetic location: 1q23.2.
Variant type: single nucleotide variant.
Coding change: c.2107C>G on transcript NM_004371.4 (MANE Select); coding-DNA position 2107, C replaced by G.
Protein change: p.Leu703Val; replaces leucine 703 with valine.
Molecular consequence: missense variant.
Genome position (GRCh38, 1-based): chr1:160,297,616, G>C on the plus strand (C>G on the coding strand, the complement: COPA is on the minus strand). VCF-style: chr1-160297616-G-C. GRCh37 (hg19) VCF-style: chr1-160267406-G-C.
Other names: c.2134C>G, p.Leu712Val (NM_001098398.2); short protein forms L703V, L712V.
Identifiers: ClinVar variation 3638697 (VCV003638697.2).